The following is an entry in ClinVar:

NM_025137.4(SPG11):c.733_734del (p.Met245fs)

Gene: SPG11 (SPG11 vesicle trafficking associated, spatacsin; minus strand). Cytogenetic location: 15q21.1.
Variant type: Deletion.
Coding change: c.733_734del on transcript NM_025137.4 (MANE Select); coding-DNA positions 733 to 734, 2 bases deleted (AT; older notation c.733_734delAT).
Protein change: p.Met245fs; shifts the reading frame from methionine 245.
Molecular consequence: frameshift variant.
Genome position (GRCh38, 1-based): chr15:44,657,230-44,657,231, AT deleted on the plus strand (AT on the coding strand, the reverse complement: SPG11 is on the minus strand). VCF-style (leftmost placement, unchanged base first): chr15-44657229-CAT-C. GRCh37 (hg19) VCF-style: chr15-44949427-CAT-C.
Other names: p. Met245ValfsTer2; c.733_734del, p.Met245fs (NM_001160227.2); c.733_734delAT (NM_025137.4); c.733_734del (NM_001160227.1); short protein forms M245fs.
Identifiers: ClinVar variation 1112 (VCV000001112.94), dbSNP rs312262720, ClinGen allele CA277189.

ClinVar aggregate classification (germline): Pathogenic. Review status: criteria provided, multiple submitters, no conflicts (2 of 4 stars). 30 submissions from 27 submitters: Pathogenic (26). 4 of the submissions do not count toward it. Last evaluated 2026-07-24.

Conditions:
Hereditary spastic paraplegia 11. Also called: Spastic Paraplegia 11; Nakamura Osame syndrome; Autosomal recessive hereditary spastic paraplegia, mental impairment, and thin corpus callosum; SPASTIC PARAPLEGIA, AUTOSOMAL RECESSIVE, COMPLICATED, WITH THIN CORPUS CALLOSUM; SPASTIC PARAPLEGIA, AUTOSOMAL RECESSIVE, WITH MENTAL IMPAIRMENT AND THIN CORPUS CALLOSUM; Spastic paraplegia, mental retardation and thin corpus callosum. Identifiers: Orphanet 2822, MedGen C1858479, MONDO:0011445, OMIM 604360.
Amyotrophic lateral sclerosis type 5 (ALS5). Also called: AMYOTROPHIC LATERAL SCLEROSIS 5, JUVENILE. Identifiers: Orphanet 300605, MedGen C1865864, MONDO:0011196, OMIM 602099.
SPG11-related disorder. Also called: SPG11-related condition.
Charcot-Marie-Tooth disease axonal type 2X. Also called: CHARCOT-MARIE-TOOTH DISEASE, AXONAL, AUTOSOMAL RECESSIVE, TYPE 2X; CHARCOT-MARIE-TOOTH NEUROPATHY, TYPE 2X. Identifiers: Orphanet 466775, MedGen C5569024, MONDO:0014726, OMIM 616668.
Inborn genetic diseases. Identifiers: MedGen C0950123, MeSH D030342.
Hereditary spastic paraplegia. Also called: Familial spastic paraparesis. Identifiers: Orphanet 685, MedGen C0037773, MONDO:0019064. Disease mechanism: loss of function.
Cerebral amyloid angiopathy, APP-related. Also called: AMYLOIDOSIS, CEREBROARTERIAL, APP-RELATED; Cerebral amyloid angiopathy, Dutch, Italian, Iowa, Flemish, Arctic variants. Identifiers: Orphanet 100006, Orphanet 324703, Orphanet 324708, Orphanet 324713, Orphanet 324718, Orphanet 324723, Orphanet 85458, MedGen C2751536, MONDO:0011583, OMIM 605714.

Allele frequency attached by ClinVar (database versions not stated): gnomAD 0.00005; TOPMed 0.00006; gnomAD exomes 0.00007; ExAC 0.00011.

Submissions 1 to 11 of 30:

PreventionGenetics, part of Exact Sciences
Classification: Pathogenic for SPG11-related condition. Last evaluated: 2026-07-24. Review status: criteria provided, single submitter. Criteria: ACMG Guidelines, 2015. Collection method: clinical testing. Allele origin: germline.
Comment: The SPG11 c.733_734delAT variant is predicted to result in a frameshift and premature protein termination (p.Met245Valfs*2). This variant has been reported in patients with hereditary spastic paraplegia (Stevanin et al. 2007. PubMed ID: 17322883; Del Bo et al. 2007. PubMed ID: 17717710; Liao et al. 2008. PubMed ID: 18835492). This variant is reported in 0.012% of alleles in individuals of African descent in gnomAD. Frameshift variants in SPG11 are expected to be pathogenic. This variant is interpreted as pathogenic.

Labcorp Genetics (formerly Invitae), Labcorp
Classification: Pathogenic for Hereditary spastic paraplegia 11. Last evaluated: 2026-01-31. Review status: criteria provided, single submitter. Criteria: Invitae Variant Classification Sherloc (09022015). Collection method: clinical testing. Allele origin: germline.
Comment: This sequence change creates a premature translational stop signal (p.Met245Valfs*2) in the SPG11 gene. It is expected to result in an absent or disrupted protein product. Loss-of-function variants in SPG11 are known to be pathogenic (PMID: 19105190, 20110243, 22154821, 26556829). This variant is present in population databases (rs312262720, gnomAD 0.01%). This premature translational stop signal has been observed in individuals with autosomal recessive hereditary spastic paraplegia with thin corpus callosum, also known as ARHSP-TCC and juvenile amyotrophic lateral sclerosis (PMID: 17322883, 17717710, 18067136, 18079167, 18332254, 18835492, 19105190, 19438933, 20110243, 22175763, 22237444, 22696581, 24833714, 27071356). ClinVar contains an entry for this variant (Variation ID: 1112). Algorithms developed to predict the effect of sequence changes on RNA splicing suggest that this variant may disrupt the consensus splice site. For these reasons, this variant has been classified as Pathogenic.

3billion
Classification: Pathogenic for Hereditary spastic paraplegia 11. Last evaluated: 2025-11-03. Review status: criteria provided, single submitter. Criteria: ACMG Guidelines, 2015. Collection method: clinical testing. Allele origin: germline. Affected: yes.
Comment: The variant is observed at an extremely low frequency in the gnomAD v4.1.0 dataset (total allele frequency: 0.007%). Predicted Consequence/Location: Frameshift: predicted to result in a loss or disruption of normal protein function through nonsense-mediated decay (NMD) or protein truncation. Multiple pathogenic variants are reported downstream of the variant. The variant has been reported to be in trans with a pathogenic variant as either compound heterozygous or homozygous in at least 2 similarly affected unrelated individuals (PMID: 22237444, 31289639). The variant has been reported at least twice as pathogenic with clinical assertions and evidence for the classification (ClinVar ID: VCV000001112 /PMID: 17322883 /3billion dataset). Therefore, this variant is classified as Pathogenic according to the recommendation of ACMG/AMP guideline.

Institute of Human Genetics, Heidelberg University
Classification: Pathogenic for Hereditary spastic paraplegia 11. Last evaluated: 2025-06-25. Review status: criteria provided, single submitter. Criteria: ACMG Guidelines, 2015. Collection method: clinical testing. Allele origin: germline. Affected: yes. Observed: 2 variant alleles.
Comment: PVs1_vs, PP1_s, PM3_mod

CeGaT Center for Human Genetics Tuebingen
Classification: Pathogenic. Last evaluated: 2025-04-01. Review status: criteria provided, single submitter. Criteria: CeGaT Center For Human Genetics Tuebingen Variant Classification Criteria Version 2. Collection method: clinical testing. Allele origin: germline. Affected: yes. Observed: 1 variant allele.
Comment: SPG11: PM3:Very Strong, PVS1, PM2

HudsonAlpha Institute for Biotechnology
Classification: Pathogenic for Amyotrophic lateral sclerosis type 5; Charcot-Marie-Tooth disease axonal type 2X; Hereditary spastic paraplegia 11. Last evaluated: 2025-02-19. Review status: criteria provided, single submitter. Criteria: ACMG Guidelines, 2015. Collection method: research. Allele origin: unknown. Affected: yes. Observed: 1 variant allele. Study: AGHI-WGS-HudsonAlpha.

Department of Human Genetics, Hannover Medical School
Classification: Pathogenic for Hereditary spastic paraplegia 11. Last evaluated: 2025-01-28. Review status: criteria provided, single submitter. Criteria: ACMG Guidelines, 2015. Collection method: clinical testing. Allele origin: germline. Inheritance: Autosomal recessive inheritance. Affected: yes.
Comment: ACMG: PVS1, PM2_Supporting, PM3_VeryStrong

University of Science and Technology Houari Boumediene, Laboratory of Molecular and Cellular Biology (LBCM)
Classification: Pathogenic for Hereditary spastic paraplegia 11. Last evaluated: 2024-04-23. Review status: criteria provided, single submitter. Criteria: ACMG Guidelines, 2015. Collection method: research. Allele origin: biparental. Inheritance: Autosomal recessive inheritance. Affected: yes. Observed: 1 homozygote.
Comment: This variant is classified as pathogenic because it is a frameshift variant identified in the homozygote state in a single case. ClinVar contains an entry for this variant (Variation ID: 1112), it’s classified as pathogenic. This variant is not reported in the 1000 Genomes Project but is present at a low frequency in the gnomAD database [AF = 6.49e-5]. This is a recurrent variant associated with the following publication (PMID: 17322883, 18067136, 18332254, 22175763, 22696581, 27071356, 30778698, 36524102).

Fulgent Genetics
Classification: Pathogenic for Amyotrophic lateral sclerosis type 5; Hereditary spastic paraplegia 11; Charcot-Marie-Tooth disease axonal type 2X. Last evaluated: 2024-03-26. Review status: criteria provided, single submitter. Criteria: ACMG Guidelines, 2015. Collection method: clinical testing. Allele origin: germline.

Neuberg Centre For Genomic Medicine, NCGM
Classification: Pathogenic for Hereditary spastic paraplegia 11. Last evaluated: 2024-02-01. Review status: criteria provided, single submitter. Criteria: ACMG Guidelines, 2015. Collection method: clinical testing. Allele origin: germline. Inheritance: Autosomal recessive inheritance. Affected: yes.
Comment: The observed frameshift c.733_734del (p.Met245ValfsTer2) variant in SPG11 gene has been previously reported in homozygous and compound heterozygous states in multiple individuals affected with spastic paraplegia (Wei et al., 2019). The variant p.Met245ValfsTer2 has been reported to segregate with disease (Dong et al., 2018; Boukhris et al., 2008). The p.Met245ValfsTer2 variant is present with allele frequency of 0.01% in gnomAD Exomes. This variant has been submitted to the ClinVar database as Pathogenic (multiple submissions). This variant causes a frameshift starting with codon Methionine 245, changes this amino acid to Valine residue, and creates a premature Stop codon at position 2 of the new reading frame, denoted p.Met245ValfsTer2. This variant is predicted to cause loss of normal protein function through protein truncation. Loss of function variants in SPG11 gene have been previously reported to be disease causing. For these reasons, this variant has been classified as Pathogenic.

Kariminejad - Najmabadi Pathology & Genetics Center
Classification: Pathogenic for Hereditary spastic paraplegia 11. Last evaluated: 2023-05-23. Review status: criteria provided, single submitter. Criteria: ACMG Guidelines, 2015. Collection method: clinical testing. Allele origin: germline. Inheritance: Autosomal recessive inheritance. Affected: yes. Observed: 2 variant alleles.
Comment: PM2, PVS1, PP5